The following is an entry in ClinVar:

NM_001283009.2(RTEL1):c.71A>G (p.Tyr24Cys)

Genes: RTEL1 (regulator of telomere elongation helicase 1; plus strand), RTEL1-TNFRSF6B (RTEL1-TNFRSF6B readthrough (NMD candidate); plus strand). Cytogenetic location: 20q13.33.
Variant type: single nucleotide variant.
Coding change: c.71A>G on transcript NM_001283009.2 (MANE Select); coding-DNA position 71, A replaced by G.
Protein change: p.Tyr24Cys; replaces tyrosine 24 with cysteine.
Molecular consequence: missense variant. On other transcripts: non-coding transcript variant (1), intron variant (1).
Genome position (GRCh38, 1-based): chr20:63,659,473, A>G. VCF-style: chr20-63659473-A-G. GRCh37 (hg19) VCF-style: chr20-62290826-A-G.
Other names: c.71A>G, p.Tyr24Cys (NM_016434.4, NM_032957.5); c.-568+1014A>G (NM_001283010.1); short protein forms Y24C.
Identifiers: ClinVar variation 3791168 (VCV003791168.1).

ClinVar aggregate classification (germline): Uncertain significance (1 of 4 stars; one submission).

Conditions:
Inborn genetic diseases. Identifiers: MedGen C0950123, MeSH D030342.

Submission:

Ambry Genetics
Classification: Uncertain significance for Inborn genetic diseases. Last evaluated: 2025-02-21. Review status: criteria provided, single submitter. Criteria: Ambry Variant Classification Scheme 2023. Collection method: clinical testing. Allele origin: germline.
Comment: The p.Y24C variant (also known as c.71A>G), located in coding exon 1 of the RTEL1 gene, results from an A to G substitution at nucleotide position 71. The tyrosine at codon 24 is replaced by cysteine, an amino acid with highly dissimilar properties. This amino acid position is conserved. In addition, this alteration is predicted to be deleterious by in silico analysis. Based on the available evidence, the clinical significance of this variant remains unclear.